The following is an entry in ClinVar:

ClinVar aggregate classification (germline): Likely pathogenic (1 of 4 stars; one submission).

Conditions:
Polyglandular autoimmune syndrome, type 1 (APS1). Also called: HYPOADRENOCORTICISM WITH HYPOPARATHYROIDISM AND SUPERFICIAL MONILIASIS; Autoimmune polyendocrinopathy syndrome , type I, with or without reversible metaphyseal dysplasia; Autoimmune polyendocrinopathy syndrome, type I; PGA I; Whitaker syndrome; AUTOIMMUNE POLYENDOCRINE SYNDROME, TYPE I, WITH OR WITHOUT REVERSIBLE METAPHYSEAL DYSPLASIA. Identifiers: Orphanet 3453, MedGen C0085859, MONDO:0009411, OMIM 240300.

Submission:

Juno Genomics, Hangzhou Juno Genomics, Inc
Classification: Likely pathogenic for Polyglandular autoimmune syndrome, type 1. Review status: criteria provided, single submitter. Criteria: ACMG Guidelines, 2015. Collection method: clinical testing. Allele origin: germline.
Comment: Absent from controls (or at extremely low frequency if recessive) in Genome Aggregation Database.;Null variant in a gene where loss of function (LOF) is a known mechanism of disease.

NM_000383.4(AIRE):c.1348_1355del (p.Ala450fs)

Gene: AIRE (autoimmune regulator; plus strand). Cytogenetic location: 21q22.3.
Variant type: Deletion.
Coding change: c.1348_1355del on transcript NM_000383.4 (MANE Select); coding-DNA positions 1348 to 1355, 8 bases deleted (GCCGCTGC; older notation c.1348_1355delGCCGCTGC).
Protein change: p.Ala450fs; shifts the reading frame from alanine 450.
Molecular consequence: frameshift variant.
Genome position (GRCh38, 1-based): chr21:44,293,858-44,293,865, GCCGCTGC deleted; deleting any 8 consecutive bases within chr21:44,293,854-44,293,865 gives the same sequence; the c. name uses the placement nearest the transcript's 3' end. VCF-style (leftmost placement, unchanged base first): chr21-44293853-ACTGCGCCG-A. GRCh37 (hg19) VCF-style: chr21-45713736-ACTGCGCCG-A.
Other names: short protein forms A450fs.
Identifiers: ClinVar variation 5019063 (VCV005019063.2).